The following is an entry in ClinVar:

NM_000138.5(FBN1):c.8270A>G (p.Asp2757Gly)

Gene: FBN1 (fibrillin 1; minus strand). Cytogenetic location: 15q21.1.
Variant type: single nucleotide variant.
Coding change: c.8270A>G on transcript NM_000138.5 (MANE Select); coding-DNA position 8270, A replaced by G.
Protein change: p.Asp2757Gly; replaces aspartic acid 2757 with glycine.
Molecular consequence: missense variant.
Genome position (GRCh38, 1-based): chr15:48,411,336, T>C on the plus strand (A>G on the coding strand, the complement: FBN1 is on the minus strand). VCF-style: chr15-48411336-T-C. GRCh37 (hg19) VCF-style: chr15-48703533-T-C.
Other names: short protein forms D2757G.
Identifiers: ClinVar variation 406361 (VCV000406361.8), dbSNP rs1060501088, ClinGen allele CA16614625.

ClinVar aggregate classification (germline): Uncertain significance (1 of 4 stars; one submission).

Conditions:
Marfan syndrome (MFS). Also called: Marfan syndrome, classic; Marfan syndrome type 1; Marfan's syndrome; MARFAN SYNDROME, TYPE I; FBN1-Related Marfan Syndrome. Identifiers: Orphanet 284963, Orphanet 558, MedGen C0024796, MONDO:0007947, OMIM 154700.
Familial thoracic aortic aneurysm and aortic dissection (TAAD). Also called: Thoracic aortic aneurysms and dissections. Identifiers: Orphanet 91387, MedGen C4707243, MONDO:0019625.

Submission:

Labcorp Genetics (formerly Invitae), Labcorp
Classification: Uncertain significance for Marfan syndrome; Familial thoracic aortic aneurysm and aortic dissection. Last evaluated: 2016-04-04. Review status: criteria provided, single submitter. Criteria: Invitae Variant Classification Sherloc (09022015). Collection method: clinical testing. Allele origin: germline.
Comment: Algorithms developed to predict the effect of missense changes on protein structure and function do not agree on the potential impact of this missense change (SIFT: "Deleterious"; PolyPhen-2: "Possibly Damaging"; Align-GVGD: "Class C0"). In summary, this variant is a novel missense change with uncertain impact on protein function. It has been classified as a Variant of Uncertain Significance. This variant is not present in population databases (ExAC no frequency) and has not been reported in the literature in individuals with a FBN1-related disease. This sequence change replaces aspartic acid with glycine at codon 2757 of the FBN1 protein (p.Asp2757Gly). The aspartic acid residue is highly conserved and there is a moderate physicochemical difference between aspartic acid and glycine.